The following is an entry in ClinVar:

NM_020686.6(ABAT):c.1186A>G (p.Ile396Val)

Gene: ABAT (4-aminobutyrate aminotransferase; plus strand). Cytogenetic location: 16p13.2.
Variant type: single nucleotide variant.
Coding change: c.1186A>G on transcript NM_020686.6 (MANE Select); coding-DNA position 1186, A replaced by G.
Protein change: p.Ile396Val; replaces isoleucine 396 with valine.
Molecular consequence: missense variant.
Genome position (GRCh38, 1-based): chr16:8,776,407, A>G. VCF-style: chr16-8776407-A-G. GRCh37 (hg19) VCF-style: chr16-8870264-A-G.
Other names: c.1186A>G, p.Ile396Val (NM_000663.5, NM_001127448.2, NM_001386600.1 and 6 more transcripts); c.1147A>G, p.Ile383Val (NM_001386605.1); c.1123A>G, p.Ile375Val (NM_001386606.1, NM_001386607.1); c.1093A>G, p.Ile365Val (NM_001386608.1); c.1051A>G, p.Ile351Val (NM_001386610.1, NM_001386611.1); c.988A>G, p.Ile330Val (NM_001386612.1, NM_001386613.1); c.940A>G, p.Ile314Val (NM_001386614.1); c.1282A>G, p.Ile428Val (NM_001386615.1); short protein forms I396V, I314V, I330V, I351V, I365V, I375V, I383V, I428V.
Identifiers: ClinVar variation 585340 (VCV000585340.15), dbSNP rs150914629, ClinGen allele CA7893455.

ClinVar aggregate classification (germline): Conflicting classifications of pathogenicity. Review status: criteria provided, conflicting classifications (1 of 4 stars). 3 submissions from 3 submitters: Uncertain significance (1); Likely benign (1). 1 of the submissions does not count toward it. Last evaluated 2026-02-03.

Conditions:
ABAT-related disorder. Also called: ABAT-related condition.
Gamma-aminobutyric acid transaminase deficiency (GABATD). Also called: GABA aminotransaminase deficiency; GABA transaminase deficiency; Gamma aminobutyrate transaminase deficiency; 4 alpha aminobutyrate transaminase deficiency. Identifiers: Orphanet 2066, MedGen C0342708, MONDO:0013166, OMIM 613163.

Allele frequency attached by ClinVar (database versions not stated): gnomAD exomes 0.00011 and 0.00030; ExAC 0.00032; gnomAD 0.00110 and 0.00116; TOPMed 0.00115; ESP Exome Variant Server 0.00177; 1000 Genomes Project 0.00200; 1000 Genomes Project 30x 0.00281.
gnomAD v4.1: 329 of 1,614,202 alleles (0.02%); highest among the groups gnomAD compares: African/African-American, 0.39%; 1 homozygote.

Submissions (3):

Labcorp Genetics (formerly Invitae), Labcorp
Classification: Likely benign for Gamma-aminobutyric acid transaminase deficiency. Last evaluated: 2026-02-03. Review status: criteria provided, single submitter. Criteria: Invitae Variant Classification Sherloc (09022015). Collection method: clinical testing. Allele origin: germline.

Athena Diagnostics
Classification: Uncertain significance. Last evaluated: 2018-03-02. Review status: criteria provided, single submitter. Criteria: Athena Diagnostics Criteria. Collection method: clinical testing. Allele origin: germline.

PreventionGenetics, part of Exact Sciences
Classification: Likely benign for ABAT-related condition. Last evaluated: 2023-12-05. Review status: no assertion criteria provided. Collection method: clinical testing. Allele origin: germline. Not counted in ClinVar's aggregate classification.
Comment: This variant is classified as likely benign based on ACMG/AMP sequence variant interpretation guidelines (Richards et al. 2015 PMID: 25741868, with internal and published modifications).